The following is an entry in ClinVar:

ClinVar aggregate classification (germline): Uncertain significance. Review status: criteria provided, multiple submitters, no conflicts (2 of 4 stars). 2 submissions from 2 submitters: Uncertain significance (2). Last evaluated 2025-01-03.

Conditions:
Inborn genetic diseases. Identifiers: MedGen C0950123, MeSH D030342.

Allele frequency attached by ClinVar (database versions not stated): TOPMed 0.00001.
gnomAD v4.1: 5 of 1,613,468 alleles (0.00031%); highest among the groups gnomAD compares: African/African-American, 0.0027%; no homozygotes.

Submissions (2):

Ambry Genetics
Classification: Uncertain significance for Inborn genetic diseases. Last evaluated: 2025-01-03. Review status: criteria provided, single submitter. Criteria: Ambry Variant Classification Scheme 2023. Collection method: clinical testing. Allele origin: germline.

GeneDx
Classification: Uncertain significance. Last evaluated: 2022-11-03. Review status: criteria provided, single submitter. Criteria: GeneDx Variant Classification Process June 2021. Collection method: clinical testing. Allele origin: germline. Affected: yes.
Comment: Not observed at significant frequency in large population cohorts (gnomAD); In silico analysis supports that this missense variant has a deleterious effect on protein structure/function; Has not been previously published as pathogenic or benign to our knowledge

NM_016008.4(DYNC2LI1):c.551T>C (p.Ile184Thr)

Gene: DYNC2LI1 (dynein cytoplasmic 2 light intermediate chain 1; plus strand). Cytogenetic location: 2p21.
Variant type: single nucleotide variant.
Coding change: c.551T>C on transcript NM_016008.4 (MANE Select); coding-DNA position 551, T replaced by C.
Protein change: p.Ile184Thr; replaces isoleucine 184 with threonine.
Molecular consequence: missense variant.
Genome position (GRCh38, 1-based): chr2:43,795,933, T>C. VCF-style: chr2-43795933-T-C. GRCh37 (hg19) VCF-style: chr2-44023072-T-C.
Other names: c.554T>C, p.Ile185Thr (NM_001193464.2, NM_001348913.2); c.551T>C, p.Ile184Thr (NM_001348912.2); short protein forms I184T, I185T.
Identifiers: ClinVar variation 2501326 (VCV002501326.2), dbSNP rs1265454432, ClinGen allele CA346658645.
Genomic context (GRCh38, chr2:43,795,933, plus strand): 5'-AATATGTTTATTAGCAGGATCATGAATTAATTGACCCATTTCCGGTACCTCTGGTCATAA[T>C]TGGAAGTAAATATGATGTTTTTCAGGTAAGCTCTTCCGCTTCTAGCTGAGTTTGTTGTAC-3'
Protein context (NP_057092.2, residues 174-194): IDPFPVPLVI[Ile184Thr]GSKYDVFQDF